The following is an entry in ClinVar:

NM_002528.7(NTHL1):c.96G>C (p.Arg32=)

Gene: NTHL1 (nth like DNA glycosylase 1; minus strand). Cytogenetic location: 16p13.3.
Variant type: single nucleotide variant.
Coding change: c.96G>C on transcript NM_002528.7 (MANE Select); coding-DNA position 96, G replaced by C.
Protein change: p.Arg32=; no amino-acid change (arginine 32 retained).
Molecular consequence: synonymous variant. On other transcripts: 5 prime UTR variant (1).
Genome position (GRCh38, 1-based): chr16:2,047,728, C>G on the plus strand (G>C on the coding strand, the complement: NTHL1 is on the minus strand). VCF-style: chr16-2047728-C-G. GRCh37 (hg19) VCF-style: chr16-2097729-C-G.
Other names: c.96G>C, p.Arg32= (NM_001318193.2); c.-83G>C (NM_001318194.2).
Identifiers: ClinVar variation 682342 (VCV000682342.10), dbSNP rs1596227764, ClinGen allele CA492953538.

ClinVar aggregate classification (germline): Likely benign. Review status: criteria provided, multiple submitters, no conflicts (2 of 4 stars). 3 submissions from 3 submitters: Likely benign (3). Last evaluated 2024-09-25.

Conditions:
Hereditary cancer-predisposing syndrome. Also called: Neoplastic Syndromes, Hereditary; Tumor predisposition; Hereditary neoplastic syndrome; Hereditary Cancer Syndrome. Identifiers: Orphanet 140162, MedGen C0027672, MeSH D009386, MONDO:0015356.

Allele frequency attached by ClinVar (database versions not stated): gnomAD exomes below 0.00001.
gnomAD v4.1: 1 of 1,583,232 alleles (0.000063%); highest among the groups gnomAD compares: Non-Finnish European, 0.000085%; no homozygotes.

Submissions (3):

Labcorp Genetics (formerly Invitae), Labcorp
Classification: Likely benign. Last evaluated: 2024-09-25. Review status: criteria provided, single submitter. Criteria: Invitae Variant Classification Sherloc (09022015). Collection method: clinical testing. Allele origin: germline.

Ambry Genetics
Classification: Likely benign for Hereditary cancer-predisposing syndrome. Last evaluated: 2024-03-02. Review status: criteria provided, single submitter. Criteria: Ambry Variant Classification Scheme 2023. Collection method: clinical testing. Allele origin: germline.

GeneDx
Classification: Likely benign. Last evaluated: 2018-04-18. Review status: criteria provided, single submitter. Criteria: GeneDx Variant Classification (06012015). Collection method: clinical testing. Allele origin: germline. Affected: yes.
Comment: This variant is considered likely benign or benign based on one or more of the following criteria: it is a conservative change, it occurs at a poorly conserved position in the protein, it is predicted to be benign by multiple in silico algorithms, and/or has population frequency not consistent with disease.